The following is an entry in ClinVar:

NM_001367561.1(DOCK7):c.3852_3854del (p.Met1284del)

Gene: DOCK7 (dedicator of cytokinesis 7; minus strand). Cytogenetic location: 1p31.3.
Variant type: Deletion.
Coding change: c.3852_3854del on transcript NM_001367561.1 (MANE Select); coding-DNA positions 3852 to 3854, 3 bases deleted (GAT; older notation c.3852_3854delGAT).
Protein change: p.Met1284del; deletes methionine 1284.
Molecular consequence: inframe deletion.
Genome position (GRCh38, 1-based): chr1:62,528,233-62,528,235, ATC deleted on the plus strand (GAT on the coding strand, the reverse complement: DOCK7 is on the minus strand); deleting any 3 consecutive bases within chr1:62,528,233-62,528,237 gives the same sequence; the c. name uses the placement nearest the transcript's 3' end. VCF-style (leftmost placement, unchanged base first): chr1-62528232-TATC-T. GRCh37 (hg19) VCF-style: chr1-62993903-TATC-T.
Other names: c.3852_3854delGAT (NM_001271999.1); c.3852_3854del, p.Met1284del (NM_001271999.2, NM_001330614.2); c.3759_3761del, p.Met1253del (NM_001272000.2, NM_001272001.2, NM_033407.4); short protein forms M1253del, M1284del.
Identifiers: ClinVar variation 541911 (VCV000541911.36), dbSNP rs751833296, ClinGen allele CA885864.

ClinVar aggregate classification (germline): Uncertain significance. Review status: criteria provided, multiple submitters, no conflicts (2 of 4 stars). 4 submissions from 4 submitters: Uncertain significance (4). Last evaluated 2023-04-11.

Conditions:
Developmental and epileptic encephalopathy, 23 (DEE23). Also called: Epileptic encephalopathy, early infantile, 23. Identifiers: Orphanet 411986, MedGen C4014492, MONDO:0014371, OMIM 615859.

Submissions (4):

Genome-Nilou Lab
Classification: Uncertain significance for Developmental and epileptic encephalopathy, 23. Last evaluated: 2023-04-11. Review status: criteria provided, single submitter. Criteria: ACMG Guidelines, 2015. Collection method: clinical testing. Allele origin: germline. Affected: no.

CeGaT Center for Human Genetics Tuebingen
Classification: Uncertain significance. Last evaluated: 2022-11-01. Review status: criteria provided, single submitter. Criteria: CeGaT Center For Human Genetics Tuebingen Variant Classification Criteria Version 2. Collection method: clinical testing. Allele origin: germline. Affected: yes. Observed: 1 variant allele.
Comment: DOCK7: PM2, PM4:Supporting

Labcorp Genetics (formerly Invitae), Labcorp
Classification: Uncertain significance for Developmental and epileptic encephalopathy, 23. Last evaluated: 2021-04-02. Review status: criteria provided, single submitter. Criteria: Invitae Variant Classification Sherloc (09022015). Collection method: clinical testing. Allele origin: germline.
Comment: In summary, the available evidence is currently insufficient to determine the role of this variant in disease. Therefore, it has been classified as a Variant of Uncertain Significance. Experimental studies and prediction algorithms are not available for this variant, and the functional significance of the deleted amino acid is currently unknown. This variant has not been reported in the literature in individuals with DOCK7-related disease. ClinVar contains an entry for this variant (Variation ID: 541911). This variant is present in population databases (rs751833296, ExAC 0.002%). This variant, c.3852_3854delGAT, results in the deletion of 1 amino acid of the DOCK7 protein (p.Met1284del), but otherwise preserves the integrity of the reading frame.

Blueprint Genetics
Classification: Uncertain significance. Last evaluated: 2021-01-25. Review status: criteria provided, single submitter. Criteria: ACMG Guidelines, 2015. Collection method: clinical testing. Allele origin: germline.